The following is an entry in ClinVar:

ClinVar aggregate classification (germline): Conflicting classifications of pathogenicity. Review status: criteria provided, conflicting classifications (1 of 4 stars). 6 submissions from 6 submitters: Uncertain significance (4); Likely benign (2). Last evaluated 2026-08-23.

Conditions:
NOTCH2-related disorder. Also called: NOTCH2-related condition.
Inborn genetic diseases. Identifiers: MedGen C0950123, MeSH D030342.
Hajdu-Cheney syndrome (HJCYS). Also called: ACROOSTEOLYSIS WITH OSTEOPOROSIS AND CHANGES IN SKULL AND MANDIBLE; SERPENTINE FIBULA-POLYCYSTIC KIDNEY SYNDROME; Acroosteolysis dominant type. Identifiers: Orphanet 955, MedGen C0917715, MONDO:0007057, OMIM 102500.

Allele frequency attached by ClinVar (database versions not stated): ExAC 0.00002; gnomAD exomes 0.00004; TOPMed 0.00006; ESP Exome Variant Server 0.00008; gnomAD 0.00013.
gnomAD v4.1: 50 of 1,614,000 alleles (0.0031%); highest among the groups gnomAD compares: African/African-American, 0.052%; no homozygotes.

Submissions (6):

PreventionGenetics, part of Exact Sciences
Classification: Uncertain significance for NOTCH2-related condition. Last evaluated: 2026-08-23. Review status: criteria provided, single submitter. Criteria: ACMG Guidelines, 2015. Collection method: clinical testing. Allele origin: germline.
Comment: The NOTCH2 c.1228G>T variant is predicted to result in the amino acid substitution p.Ala410Ser. To our knowledge, this variant has not been reported in the literature. This variant is reported in 0.032% of alleles in individuals of African descent in gnomAD, which may be too frequent to be a primary cause of disease. Although we suspect that this variant may be benign, the clinical significance of this variant is currently classified as uncertain due to the absence of conclusive functional and genetic evidence.

Women's Health and Genetics/Laboratory Corporation of America, LabCorp
Classification: Uncertain significance. Last evaluated: 2026-04-08. Review status: criteria provided, single submitter. Criteria: LabCorp Variant Classification Summary - May 2015. Collection method: clinical testing. Allele origin: germline.
Comment: Variant summary: NOTCH2 c.1228G>T (p.Ala410Ser) results in a conservative amino acid change in the encoded protein sequence. Algorithms developed to predict the effect of missense changes on protein structure and function all suggest that this variant is likely to be tolerated. The variant allele was found at a frequency of 4e-05 in 251094 control chromosomes. This frequency is not significantly higher than estimated for disease-causing variants in NOTCH2, allowing no conclusion about variant significance. To our knowledge, no occurrence of c.1228G>T in individuals affected with NOTCH2-related conditions and no experimental evidence demonstrating its impact on protein function have been reported. ClinVar contains an entry for this variant (Variation ID: 499061). Based on the evidence outlined above, the variant was classified as uncertain significance.

Labcorp Genetics (formerly Invitae), Labcorp
Classification: Uncertain significance for Hajdu-Cheney syndrome. Last evaluated: 2025-08-11. Review status: criteria provided, single submitter. Criteria: Invitae Variant Classification Sherloc (09022015). Collection method: clinical testing. Allele origin: germline.
Comment: This sequence change replaces alanine, which is neutral and non-polar, with serine, which is neutral and polar, at codon 410 of the NOTCH2 protein (p.Ala410Ser). This variant is present in population databases (rs370349228, gnomAD 0.03%). This variant has not been reported in the literature in individuals affected with NOTCH2-related conditions. ClinVar contains an entry for this variant (Variation ID: 499061). Invitae Evidence Modeling of protein sequence and biophysical properties (such as structural, functional, and spatial information, amino acid conservation, physicochemical variation, residue mobility, and thermodynamic stability) indicates that this missense variant is not expected to disrupt NOTCH2 protein function with a negative predictive value of 80%. In summary, the available evidence is currently insufficient to determine the role of this variant in disease. Therefore, it has been classified as a Variant of Uncertain Significance.

Ambry Genetics
Classification: Likely benign for Inborn genetic diseases. Last evaluated: 2025-02-03. Review status: criteria provided, single submitter. Criteria: Ambry Variant Classification Scheme 2023. Collection method: clinical testing. Allele origin: germline.

Blueprint Genetics
Classification: Likely benign. Last evaluated: 2023-05-29. Review status: criteria provided, single submitter. Criteria: ACMG Guidelines, 2015. Collection method: clinical testing. Allele origin: germline.

Eurofins Ntd Llc (ga)
Classification: Uncertain significance. Last evaluated: 2018-01-29. Review status: criteria provided, single submitter. Criteria: EGL Classification Definitions 2015. Collection method: clinical testing. Allele origin: germline. Observed: 2 variant alleles, 2 heterozygotes.

NM_024408.4(NOTCH2):c.1228G>T (p.Ala410Ser)

Gene: NOTCH2 (notch receptor 2; minus strand). Cytogenetic location: 1p12.
Variant type: single nucleotide variant.
Coding change: c.1228G>T on transcript NM_024408.4 (MANE Select); coding-DNA position 1228, G replaced by T.
Protein change: p.Ala410Ser; replaces alanine 410 with serine.
Molecular consequence: missense variant.
Genome position (GRCh38, 1-based): chr1:119,968,113, C>A on the plus strand (G>T on the coding strand, the complement: NOTCH2 is on the minus strand). VCF-style: chr1-119968113-C-A. GRCh37 (hg19) VCF-style: chr1-120510736-C-A.
Other names: c.1228G>T, p.Ala410Ser (NM_001200001.2); c.1228G>T (NM_024408.3); short protein forms A410S.
Identifiers: ClinVar variation 499061 (VCV000499061.17), dbSNP rs370349228, ClinGen allele CA1040595.
Genomic context (GRCh38, chr1:119,968,113, plus strand): 5'-ACAGAAAAAGTTCTGCTTACTCACCCATGGCACATTCATCCACATCTTCTGTGCAGTCAG[C>A]CCCTTTGTAGCCTTGTGGGCAGGTGCAAATATATTGCCCATTTAGGGGGTTGGTGTCACA-3'
Protein context (NP_077719.2, residues 400-420): ICTCPQGYKG[Ala410Ser]DCTEDVDECA